The following is an entry in ClinVar:

ClinVar aggregate classification (germline): Uncertain significance (1 of 4 stars; one submission).

Submission:

Ambry Genetics
Classification: Uncertain significance. Last evaluated: 2022-05-11. Review status: criteria provided, single submitter. Criteria: Ambry Variant Classification Scheme 2023. Collection method: clinical testing. Allele origin: germline.
Comment: The p.I426T variant (also known as c.1277T>C), located in coding exon 10 of the RECQL gene, results from a T to C substitution at nucleotide position 1277. The isoleucine at codon 426 is replaced by threonine, an amino acid with similar properties. This amino acid position is conserved. In addition, this alteration is predicted to be tolerated by in silico analysis. Since supporting evidence is limited at this time, the clinical significance of this alteration remains unclear.

NM_002907.4(RECQL):c.1277T>C (p.Ile426Thr)

Gene: RECQL (RecQ like helicase; minus strand). Cytogenetic location: 12p12.1.
Variant type: single nucleotide variant.
Coding change: c.1277T>C on transcript NM_002907.4 (MANE Select); coding-DNA position 1277, T replaced by C.
Protein change: p.Ile426Thr; replaces isoleucine 426 with threonine.
Molecular consequence: missense variant.
Genome position (GRCh38, 1-based): chr12:21,474,919, A>G on the plus strand (T>C on the coding strand, the complement: RECQL is on the minus strand). VCF-style: chr12-21474919-A-G. GRCh37 (hg19) VCF-style: chr12-21627853-A-G.
Other names: c.1277T>C, p.Ile426Thr (NM_032941.3); short protein forms I426T.
Identifiers: ClinVar variation 1766932 (VCV001766932.2), dbSNP rs2540341062, ClinGen allele CA384118593.